The following is an entry in ClinVar:

NM_001379286.1(ZNF423):c.1494C>G (p.Ala498=)

Gene: ZNF423 (zinc finger protein 423; minus strand). Cytogenetic location: 16q12.1.
Variant type: single nucleotide variant.
Coding change: c.1494C>G on transcript NM_001379286.1 (MANE Select); coding-DNA position 1494, C replaced by G.
Protein change: p.Ala498=; no amino-acid change (alanine 498 retained).
Molecular consequence: synonymous variant.
Genome position (GRCh38, 1-based): chr16:49,637,682, G>C on the plus strand (C>G on the coding strand, the complement: ZNF423 is on the minus strand). VCF-style: chr16-49637682-G-C. GRCh37 (hg19) VCF-style: chr16-49671593-G-C.
Other names: c.1290C>G, p.Ala430= (NM_001271620.2); c.1119C>G, p.Ala373= (NM_001330533.2); c.1470C>G, p.Ala490= (NM_015069.5).
Identifiers: ClinVar variation 4992834 (VCV004992834.1).

ClinVar aggregate classification (germline): Likely benign (1 of 4 stars; one submission).

Conditions:
ZNF423-related disorder. Also called: ZNF423-related condition.

Submission:

PreventionGenetics, part of Exact Sciences
Classification: Likely benign for ZNF423-related condition. Last evaluated: 2026-07-23. Review status: criteria provided, single submitter. Criteria: ACMG Guidelines, 2015. Collection method: clinical testing. Allele origin: germline.
Comment: This variant is classified as likely benign based on ACMG/AMP sequence variant interpretation guidelines (Richards et al. 2015 PMID: 25741868, with internal and published modifications).